The following is an entry in ClinVar:

ClinVar aggregate classification (germline): Uncertain significance (1 of 4 stars; one submission).

Allele frequency attached by ClinVar (database versions not stated): gnomAD exomes below 0.00001.
gnomAD v4.1: 4 of 1,614,228 alleles (0.00025%); highest among the groups gnomAD compares: South Asian, 0.0011%; no homozygotes.

Submission:

GeneDx
Classification: Uncertain significance. Last evaluated: 2022-05-18. Review status: criteria provided, single submitter. Criteria: GeneDx Variant Classification Process June 2021. Collection method: clinical testing. Allele origin: germline. Affected: yes.
Comment: Not observed at significant frequency in large population cohorts (gnomAD); In silico analysis supports that this missense variant has a deleterious effect on protein structure/function; Has not been previously published as pathogenic or benign to our knowledge

NM_002473.6(MYH9):c.566A>G (p.Gln189Arg)

Gene: MYH9 (myosin heavy chain 9; minus strand). Cytogenetic location: 22q12.3.
Variant type: single nucleotide variant.
Coding change: c.566A>G on transcript NM_002473.6 (MANE Select); coding-DNA position 566, A replaced by G.
Protein change: p.Gln189Arg; replaces glutamine 189 with arginine.
Molecular consequence: missense variant.
Genome position (GRCh38, 1-based): chr22:36,326,614, T>C on the plus strand (A>G on the coding strand, the complement: MYH9 is on the minus strand). VCF-style: chr22-36326614-T-C. GRCh37 (hg19) VCF-style: chr22-36722659-T-C.
Other names: short protein forms Q189R.
Identifiers: ClinVar variation 1687652 (VCV001687652.2), dbSNP rs2146369359, ClinGen allele CA411408004.
Genomic context (GRCh38, chr22:36,326,614, plus strand): 5'-GCTGCAGCACTCACCTGGTCCTTCTTGCTCTTGTGCGAGGACGCCACGTACGCCAGATAC[T>C]GGATGACCTTCTTGGTGTTCTCCGTCTTGCCAGCTCCAGATTCACCACTACCAAGAGAGG-3'
Protein context (NP_002464.1, residues 179-199): GKTENTKKVI[Gln189Arg]YLAYVASSHK